The following is an entry in ClinVar:

ClinVar aggregate classification (germline): Uncertain significance. Review status: criteria provided, multiple submitters, no conflicts (2 of 4 stars). 2 submissions from 2 submitters: Uncertain significance (2). Last evaluated 2022-07-26.

Conditions:
Autoimmune lymphoproliferative syndrome type 2B. Also called: AUTOIMMUNE LYMPHOPROLIFERATIVE SYNDROME, TYPE IIB. Identifiers: Orphanet 275517, MedGen C1846545, MONDO:0011804, OMIM 607271.

Allele frequency attached by ClinVar (database versions not stated): gnomAD exomes 0.00002; ExAC 0.00003; TOPMed 0.00006; ESP Exome Variant Server 0.00008.
gnomAD v4.1: 73 of 1,597,626 alleles (0.0046%); highest among the groups gnomAD compares: Non-Finnish European, 0.0054%; no homozygotes.

Submissions (2):

Labcorp Genetics (formerly Invitae), Labcorp
Classification: Uncertain significance for Autoimmune lymphoproliferative syndrome type 2B. Last evaluated: 2022-07-26. Review status: criteria provided, single submitter. Criteria: Invitae Variant Classification Sherloc (09022015). Collection method: clinical testing. Allele origin: germline.
Comment: This sequence change falls in intron 7 of the CASP8 gene. It does not directly change the encoded amino acid sequence of the CASP8 protein. It affects a nucleotide within the consensus splice site. This variant is present in population databases (rs370400442, gnomAD 0.003%). This variant has not been reported in the literature in individuals affected with CASP8-related conditions. ClinVar contains an entry for this variant (Variation ID: 333501). Variants that disrupt the consensus splice site are a relatively common cause of aberrant splicing (PMID: 17576681, 9536098). Algorithms developed to predict the effect of sequence changes on RNA splicing suggest that this variant is not likely to affect RNA splicing. In summary, the available evidence is currently insufficient to determine the role of this variant in disease. Therefore, it has been classified as a Variant of Uncertain Significance.

Illumina Laboratory Services, Illumina
Classification: Uncertain significance for Autoimmune lymphoproliferative syndrome type 2B. Last evaluated: 2018-01-13. Review status: criteria provided, single submitter. Criteria: ICSL Variant Classification Criteria 13 December 2019. Collection method: clinical testing. Allele origin: germline.

Literature cited by the submitters: PubMed 17576681 (cited by Labcorp Genetics (formerly Invitae), Labcorp); PubMed 9536098 (cited by Labcorp Genetics (formerly Invitae), Labcorp).

NM_001372051.1(CASP8):c.660+6C>T

Gene: CASP8 (caspase 8; plus strand). Cytogenetic location: 2q33.1.
Variant type: single nucleotide variant.
Coding change: c.660+6C>T on transcript NM_001372051.1 (MANE Select); 6 bases into the intron after coding-DNA position 660, C replaced by T.
Molecular consequence: intron variant.
Genome position (GRCh38, 1-based): chr2:201,274,959, C>T. VCF-style: chr2-201274959-C-T. GRCh37 (hg19) VCF-style: chr2-202139682-C-T.
Other names: c.711+6C>T (NM_001228.5); c.660+6C>T (NM_001400651.1, NM_001400657.1, NM_001400648.1 and 6 more transcripts); c.615+6C>T (NM_001400663.1, NM_001400660.1, NM_001080124.2 and 5 more transcripts); c.19-1868C>T (NM_001400677.1, NM_001400751.1, NM_001400678.1 and 2 more transcripts); c.351+6C>T (NM_001400669.1); c.45+6C>T (NM_001400680.1, NM_001400674.1); c.596-1868C>T (NM_001400679.1); c.837+6C>T (NM_001080125.2); and 7 more.
Identifiers: ClinVar variation 333501 (VCV000333501.9), dbSNP rs370400442, ClinGen allele CA2053628.